The following is an entry in ClinVar:

NM_001039591.3(USP9X):c.5842G>A (p.Ala1948Thr)

Gene: USP9X (ubiquitin specific peptidase 9 X-linked; plus strand). Cytogenetic location: Xp11.4.
Variant type: single nucleotide variant.
Coding change: c.5842G>A on transcript NM_001039591.3 (MANE Select); coding-DNA position 5842, G replaced by A.
Protein change: p.Ala1948Thr; replaces alanine 1948 with threonine.
Molecular consequence: missense variant.
Genome position (GRCh38, 1-based): chrX:41,216,409, G>A. VCF-style: chrX-41216409-G-A. GRCh37 (hg19) VCF-style: chrX-41075662-G-A.
Other names: p.A1948T; c.5842G>A, p.Ala1948Thr (NM_001039590.3); c.5857G>A, p.Ala1953Thr (NM_001410748.1, NM_001410749.1); short protein forms A1948T, A1953T.
Identifiers: ClinVar variation 1810562 (VCV001810562.3), dbSNP rs2519371840, ClinGen allele CA412793812.

ClinVar aggregate classification (germline): Uncertain significance. Review status: criteria provided, multiple submitters, no conflicts (2 of 4 stars). 4 submissions from 3 submitters: Uncertain significance (4). Last evaluated 2024-12-17.

Conditions:
Intellectual developmental disorder, X-linked 99, syndromic, female-restricted. Also called: Intellectual disability, X-linked 99, syndromic, female-restricted. Identifiers: MedGen C4225416, MONDO:0010502, OMIM 300968.
Intellectual developmental disorder, X-linked 99. Also called: Intellectual disability, X-linked 99. Identifiers: Orphanet 777, MedGen C3806746, MONDO:0010487, OMIM 300919.
USP9X-related intellectual developmental disorder.

Submissions (4):

Undiagnosed Diseases Network, NIH
Classification: Uncertain significance for USP9X-related intellectual developmental disorder. Last evaluated: 2024-12-17. Review status: criteria provided, single submitter. Criteria: ACMG Guidelines, 2015. Collection method: clinical testing. Allele origin: maternal. Inheritance: X-linked inheritance. Affected: yes. Observed: 1 variant allele, 1 hemizygote. Study: Undiagnosed Diseases Network (NIH), UDN.

Baylor Genetics
Classification: Uncertain significance for Intellectual developmental disorder, X-linked 99. Last evaluated: 2023-12-01. Review status: criteria provided, single submitter. Criteria: ACMG Guidelines, 2015. Collection method: clinical testing. Allele origin: unknown.

Baylor Genetics
Classification: Uncertain significance for Intellectual developmental disorder, X-linked 99, syndromic, female-restricted. Last evaluated: 2023-12-01. Review status: criteria provided, single submitter. Criteria: ACMG Guidelines, 2015. Collection method: clinical testing. Allele origin: unknown.

GeneDx
Classification: Uncertain significance. Last evaluated: 2022-07-05. Review status: criteria provided, single submitter. Criteria: GeneDx Variant Classification Process June 2021. Collection method: clinical testing. Allele origin: germline. Affected: yes.
Comment: Not observed at significant frequency in large population cohorts (gnomAD); In silico analysis supports that this missense variant has a deleterious effect on protein structure/function; Has not been previously published as pathogenic or benign to our knowledge

Literature cited by the submitters: PubMed 33298948 (cited by Undiagnosed Diseases Network, NIH).